The following is an entry in ClinVar:

ClinVar aggregate classification (germline): Uncertain significance. Review status: criteria provided, multiple submitters, no conflicts (2 of 4 stars). 2 submissions from 2 submitters: Uncertain significance (2). Last evaluated 2024-10-21.

Conditions:
Amelocerebrohypohidrotic syndrome (KTZS). Also called: Kohlschutter's syndrome; EPILEPSY AND YELLOW TEETH; EPILEPSY, DEMENTIA, AND AMELOGENESIS IMPERFECTA; KOHLSCHUTTER SYNDROME. Identifiers: Orphanet 1946, MedGen C0406740, MONDO:0009185, OMIM 226750.

Allele frequency attached by ClinVar (database versions not stated): TOPMed 0.00001.
gnomAD v4.1: 2 of 1,558,638 alleles (0.00013%); highest among the groups gnomAD compares: Middle Eastern, 0.017%; no homozygotes.

Submissions (2):

Labcorp Genetics (formerly Invitae), Labcorp
Classification: Uncertain significance for Amelocerebrohypohidrotic syndrome. Last evaluated: 2024-10-21. Review status: criteria provided, single submitter. Criteria: Invitae Variant Classification Sherloc (09022015). Collection method: clinical testing. Allele origin: germline.
Comment: This sequence change replaces glutamine, which is neutral and polar, with glutamic acid, which is acidic and polar, at codon 107 of the ROGDI protein (p.Gln107Glu). This variant is not present in population databases (gnomAD no frequency). This variant has not been reported in the literature in individuals affected with ROGDI-related conditions. ClinVar contains an entry for this variant (Variation ID: 522749). An algorithm developed to predict the effect of missense changes on protein structure and function (PolyPhen-2) suggests that this variant is likely to be disruptive. In summary, the available evidence is currently insufficient to determine the role of this variant in disease. Therefore, it has been classified as a Variant of Uncertain Significance.

Genomic Research Center, Shahid Beheshti University of Medical Sciences
Classification: Uncertain significance for Amelocerebrohypohidrotic syndrome. Last evaluated: 2017-12-03. Review status: criteria provided, single submitter. Criteria: ACMG Guidelines, 2015. Collection method: clinical testing. Allele origin: inherited. Affected: yes.

NM_024589.3(ROGDI):c.319C>G (p.Gln107Glu)

Gene: ROGDI (rogdi atypical leucine zipper; minus strand). Cytogenetic location: 16p13.3.
Variant type: single nucleotide variant.
Coding change: c.319C>G on transcript NM_024589.3 (MANE Select); coding-DNA position 319, C replaced by G.
Protein change: p.Gln107Glu; replaces glutamine 107 with glutamic acid.
Molecular consequence: missense variant. On other transcripts: non-coding transcript variant (1).
Genome position (GRCh38, 1-based): chr16:4,800,515, G>C on the plus strand (C>G on the coding strand, the complement: ROGDI is on the minus strand). VCF-style: chr16-4800515-G-C. GRCh37 (hg19) VCF-style: chr16-4850516-G-C.
Other names: short protein forms Q107E.
Identifiers: ClinVar variation 522749 (VCV000522749.13), dbSNP rs1211419981, ClinGen allele CA394654049.